The following is an entry in ClinVar:

NM_002691.4(POLD1):c.3221G>A (p.Arg1074Gln)

Gene: POLD1 (DNA polymerase delta 1, catalytic subunit; plus strand). Cytogenetic location: 19q13.33.
Variant type: single nucleotide variant.
Coding change: c.3221G>A on transcript NM_002691.4 (MANE Select); coding-DNA position 3221, G replaced by A.
Protein change: p.Arg1074Gln; replaces arginine 1074 with glutamine.
Molecular consequence: missense variant. On other transcripts: non-coding transcript variant (1).
Genome position (GRCh38, 1-based): chr19:50,417,844, G>A. VCF-style: chr19-50417844-G-A. GRCh37 (hg19) VCF-style: chr19-50921101-G-A.
Other names: c.3221G>A, p.Arg1074Gln (NM_001256849.1); c.3299G>A, p.Arg1100Gln (NM_001308632.1); c.3221G>A (NM_002691.2); short protein forms R1074Q, R1100Q.
Identifiers: ClinVar variation 422817 (VCV000422817.19), dbSNP rs541931950, ClinGen allele CA9596825.
Genomic context (GRCh38, chr19:50,417,844, plus strand): 5'-CCCAGGCTGGGCACTGGGCCTTGGCTGGTCCTGACCCTGCCCCTGCCCCCACCCGCAGCC[G>A]GGACTGCCCCATCTTCTACATGCGCAAGAAGGTGCGGAAGGACCTGGAAGACCAGGAGCA-3'
Protein context (NP_002682.2, residues 1064-1084): SLHEDVICTS[Arg1074Gln]DCPIFYMRKK

ClinVar aggregate classification (germline): Uncertain significance. Review status: criteria provided, multiple submitters, no conflicts (2 of 4 stars). 5 submissions from 5 submitters: Uncertain significance (5). Last evaluated 2026-02-03.

Conditions:
POLD1-related polyposis and colorectal cancer syndrome (CRCS10). Also called: Colorectal cancer 10; COLORECTAL CANCER, SUSCEPTIBILITY TO, ON CHROMOSOME 19q; Colorectal cancer, susceptibility to, 10. Identifiers: Orphanet 220460, MedGen C2675481, MONDO:0012953, OMIM 612591.
Hereditary cancer-predisposing syndrome. Also called: Neoplastic Syndromes, Hereditary; Hereditary neoplastic syndrome; Tumor predisposition; Hereditary Cancer Syndrome. Identifiers: Orphanet 140162, MedGen C0027672, MeSH D009386, MONDO:0015356.

Allele frequency attached by ClinVar (database versions not stated): 1000 Genomes Project 0.00020; gnomAD 0.00001 and 0.00002; gnomAD exomes 0.00002; TOPMed 0.00002; ExAC 0.00006; 1000 Genomes Project 30x 0.00016.
gnomAD v4.1: 36 of 1,596,340 alleles (0.0023%); highest among the groups gnomAD compares: South Asian, 0.01%; no homozygotes.

Submissions (5):

Labcorp Genetics (formerly Invitae), Labcorp
Classification: Uncertain significance for POLD1-related polyposis and colorectal cancer syndrome. Last evaluated: 2026-02-03. Review status: criteria provided, single submitter. Criteria: Invitae Variant Classification Sherloc (09022015). Collection method: clinical testing. Allele origin: germline.
Comment: This sequence change replaces arginine, which is basic and polar, with glutamine, which is neutral and polar, at codon 1074 of the POLD1 protein (p.Arg1074Gln). This variant is present in population databases (rs541931950, gnomAD 0.01%). This variant has not been reported in the literature in individuals affected with POLD1-related conditions. ClinVar contains an entry for this variant (Variation ID: 422817). An algorithm developed to predict the effect of missense changes on protein structure and function (PolyPhen-2) suggests that this variant is likely to be disruptive. RNA analysis performed to evaluate the impact of this missense change on mRNA splicing indicates it does not significantly alter splicing (internal data). In summary, the available evidence is currently insufficient to determine the role of this variant in disease. Therefore, it has been classified as a Variant of Uncertain Significance.

Center for Genomic Medicine, Rigshospitalet, Copenhagen University Hospital
Classification: Uncertain significance. Last evaluated: 2025-12-29. Review status: criteria provided, single submitter. Criteria: ACMG Guidelines, 2015. Collection method: clinical testing. Allele origin: germline.

Ambry Genetics
Classification: Uncertain significance for Hereditary cancer-predisposing syndrome. Last evaluated: 2024-12-18. Review status: criteria provided, single submitter. Criteria: Ambry Variant Classification Scheme 2023. Collection method: clinical testing. Allele origin: germline.
Comment: The p.R1074Q variant (also known as c.3221G>A), located in coding exon 26 of the POLD1 gene, results from a G to A substitution at nucleotide position 3221. The arginine at codon 1074 is replaced by glutamine, an amino acid with highly similar properties. This amino acid position is well conserved in available vertebrate species. In addition, this alteration is predicted to be tolerated by in silico analysis. Based on the available evidence, the clinical significance of this variant remains unclear.

GeneDx
Classification: Uncertain significance. Last evaluated: 2024-10-16. Review status: criteria provided, single submitter. Criteria: GeneDx Variant Classification Process June 2021. Collection method: clinical testing. Allele origin: germline. Affected: yes.
Comment: Not observed at significant frequency in large population cohorts (gnomAD); In silico analysis supports that this missense variant has a deleterious effect on protein structure/function; In silico analysis supports a deleterious effect on splicing; Has not been previously published as pathogenic or benign to our knowledge; This variant is associated with the following publications: (PMID: 19296856, 35590056)

Blueprint Genetics
Classification: Uncertain significance. Last evaluated: 2024-08-15. Review status: criteria provided, single submitter. Criteria: ACMG Guidelines, 2015. Collection method: clinical testing. Allele origin: germline.